The following is an entry in ClinVar:

NM_000540.3(RYR1):c.4015G>T (p.Gly1339Trp)

Gene: RYR1 (ryanodine receptor 1; plus strand). Cytogenetic location: 19q13.2.
Variant type: single nucleotide variant.
Coding change: c.4015G>T on transcript NM_000540.3 (MANE Select); coding-DNA position 4015, G replaced by T.
Protein change: p.Gly1339Trp; replaces glycine 1339 with tryptophan.
Molecular consequence: missense variant.
Genome position (GRCh38, 1-based): chr19:38,473,626, G>T. VCF-style: chr19-38473626-G-T. GRCh37 (hg19) VCF-style: chr19-38964266-G-T.
Other names: c.4015G>T, p.Gly1339Trp (NM_001042723.2); short protein forms G1339W.
Identifiers: ClinVar variation 1981566 (VCV001981566.4), dbSNP rs969582221, ClinGen allele CA405642600.

ClinVar aggregate classification (germline): Uncertain significance. Review status: criteria provided, multiple submitters, no conflicts (2 of 4 stars). 2 submissions from 2 submitters: Uncertain significance (2). Last evaluated 2025-06-17.

Conditions:
Malignant hyperthermia, susceptibility to, 1 (MHS1). Also called: Malignant hyperthermia suceptibility 1; Anesthesia related hyperthermia; Malignant hyperpyrexia; Fulminating hyperpyrexia; Pharmacogenic myopathy; RYR1-Related Malignant Hyperthermia Susceptibility. Identifiers: Orphanet 423, MedGen C2930980, MONDO:0007783, OMIM 145600.
RYR1-related disorder. Also called: RYR1-related disorders; RYR1-related condition. Identifiers: MedGen CN239331.

gnomAD v4.1: 1 of 1,564,638 alleles (0.000064%); highest among the groups gnomAD compares: Non-Finnish European, 0.000087%; no homozygotes.

Submissions (2):

Color Diagnostics, LLC DBA Color Health
Classification: Uncertain significance for Malignant hyperthermia, susceptibility to, 1. Last evaluated: 2025-06-17. Review status: criteria provided, single submitter. Criteria: ACMG Guidelines, 2015. Collection method: clinical testing. Allele origin: germline.
Comment: This missense variant replaces glycine with tryptophan at codon 1339 of the RYR1 protein. Computational prediction suggests that this variant may not impact protein structure and function. To our knowledge, functional studies have not been reported for this variant. This variant has not been reported in individuals affected with RYR1-related disorders in the literature. This variant has not been identified in the general population by the Genome Aggregation Database (gnomAD). The available evidence is insufficient to determine the role of this variant in disease conclusively. Therefore, this variant is classified as a Variant of Uncertain Significance.

Labcorp Genetics (formerly Invitae), Labcorp
Classification: Uncertain significance for RYR1-related disorder. Last evaluated: 2022-06-02. Review status: criteria provided, single submitter. Criteria: Invitae Variant Classification Sherloc (09022015). Collection method: clinical testing. Allele origin: germline.
Comment: This sequence change replaces glycine, which is neutral and non-polar, with tryptophan, which is neutral and slightly polar, at codon 1339 of the RYR1 protein (p.Gly1339Trp). This variant is not present in population databases (gnomAD no frequency). This variant has not been reported in the literature in individuals affected with RYR1-related conditions. Advanced modeling of protein sequence and biophysical properties (such as structural, functional, and spatial information, amino acid conservation, physicochemical variation, residue mobility, and thermodynamic stability) performed at Invitae indicates that this missense variant is not expected to disrupt RYR1 protein function. In summary, the available evidence is currently insufficient to determine the role of this variant in disease. Therefore, it has been classified as a Variant of Uncertain Significance.